The following is an entry in ClinVar:

NM_000075.4(CDK4):c.38G>T (p.Gly13Val)

Gene: CDK4 (cyclin dependent kinase 4; minus strand). Cytogenetic location: 12q14.1.
Variant type: single nucleotide variant.
Coding change: c.38G>T on transcript NM_000075.4 (MANE Select); coding-DNA position 38, G replaced by T.
Protein change: p.Gly13Val; replaces glycine 13 with valine.
Molecular consequence: missense variant.
Genome position (GRCh38, 1-based): chr12:57,751,680, C>A on the plus strand (G>T on the coding strand, the complement: CDK4 is on the minus strand). VCF-style: chr12-57751680-C-A. GRCh37 (hg19) VCF-style: chr12-58145463-C-A.
Other names: c.38G>T (NM_000075.3); short protein forms G13V.
Identifiers: ClinVar variation 1447865 (VCV001447865.7), dbSNP rs753152604, ClinGen allele CA6657890.

ClinVar aggregate classification (germline): Uncertain significance. Review status: criteria provided, multiple submitters, no conflicts (2 of 4 stars). 2 submissions from 2 submitters: Uncertain significance (2). Last evaluated 2024-08-30.

Conditions:
Familial melanoma. Also called: Hereditary melanoma; Hereditary cutaneous melanoma. Identifiers: Orphanet 618, MedGen C1512419, MONDO:0018961.
Hereditary cancer-predisposing syndrome. Also called: Hereditary Cancer Syndrome; Hereditary neoplastic syndrome; Neoplastic Syndromes, Hereditary; Tumor predisposition. Identifiers: Orphanet 140162, MedGen C0027672, MeSH D009386, MONDO:0015356.

Allele frequency attached by ClinVar (database versions not stated): ExAC 0.00001.

Submissions (2):

Ambry Genetics
Classification: Uncertain significance for Hereditary cancer-predisposing syndrome. Last evaluated: 2024-08-30. Review status: criteria provided, single submitter. Criteria: Ambry Variant Classification Scheme 2023. Collection method: clinical testing. Allele origin: germline.
Comment: The p.G13V variant (also known as c.38G>T), located in coding exon 1 of the CDK4 gene, results from a G to T substitution at nucleotide position 38. The glycine at codon 13 is replaced by valine, an amino acid with dissimilar properties. This amino acid position is highly conserved in available vertebrate species. In addition, this alteration is predicted to be deleterious by in silico analysis. Based on the available evidence, the clinical significance of this variant remains unclear.

Labcorp Genetics (formerly Invitae), Labcorp
Classification: Uncertain significance for Familial melanoma. Last evaluated: 2022-05-09. Review status: criteria provided, single submitter. Criteria: Invitae Variant Classification Sherloc (09022015). Collection method: clinical testing. Allele origin: germline.
Comment: This variant is not present in population databases (gnomAD no frequency). This sequence change replaces glycine, which is neutral and non-polar, with valine, which is neutral and non-polar, at codon 13 of the CDK4 protein (p.Gly13Val). This variant has not been reported in the literature in individuals affected with CDK4-related conditions. In summary, the available evidence is currently insufficient to determine the role of this variant in disease. Therefore, it has been classified as a Variant of Uncertain Significance. Advanced modeling of protein sequence and biophysical properties (such as structural, functional, and spatial information, amino acid conservation, physicochemical variation, residue mobility, and thermodynamic stability) performed at Invitae indicates that this missense variant is expected to disrupt CDK4 protein function.